The following is an entry in ClinVar:

NM_024027.5(COLEC11):c.191C>T (p.Thr64Met)

Gene: COLEC11 (collectin subfamily member 11; plus strand). Cytogenetic location: 2p25.3.
Variant type: single nucleotide variant.
Coding change: c.191C>T on transcript NM_024027.5 (MANE Select); coding-DNA position 191, C replaced by T.
Protein change: p.Thr64Met; replaces threonine 64 with methionine.
Molecular consequence: missense variant. On other transcripts: non-coding transcript variant (1), intron variant (4).
Genome position (GRCh38, 1-based): chr2:3,613,371, C>T. VCF-style: chr2-3613371-C-T. GRCh37 (hg19) VCF-style: chr2-3660961-C-T.
Other names: c.191C>T, p.Thr64Met (NM_001255983.2); c.233C>T, p.Thr78Met (NM_001255985.1); c.113C>T, p.Thr38Met (NM_001255986.1, NM_001255988.1); c.103C>T, p.Arg35Trp (NM_199235.3); c.130+8901C>T (NM_001255982.2, NM_001255984.2); c.52+7128C>T (NM_001255987.1, NM_001255989.1); short protein forms T38M, T64M, R35W, T78M.
Identifiers: ClinVar variation 730885 (VCV000730885.5), dbSNP rs142369741, ClinGen allele CA1516880.

ClinVar aggregate classification (germline): Likely benign. Review status: criteria provided, single submitter (1 of 4 stars). 2 submissions from 2 submitters: Likely benign (1). 1 of the submissions does not count toward it. Last evaluated 2017-12-27.

Conditions:
COLEC11-related disorder. Also called: COLEC11-related condition.

Allele frequency attached by ClinVar (database versions not stated): gnomAD exomes 0.00020 and 0.00033; ESP Exome Variant Server 0.00039; ExAC 0.00061; gnomAD 0.00101 and 0.00106; TOPMed 0.00116; 1000 Genomes Project 0.00160; 1000 Genomes Project 30x 0.00172.
gnomAD v4.1: 456 of 1,601,002 alleles (0.028%); highest among the groups gnomAD compares: African/African-American, 0.3%; 1 homozygote.

Submissions (2):

Labcorp Genetics (formerly Invitae), Labcorp
Classification: Likely benign. Last evaluated: 2017-12-27. Review status: criteria provided, single submitter. Criteria: Invitae Variant Classification Sherloc (09022015). Collection method: clinical testing. Allele origin: germline.

PreventionGenetics, part of Exact Sciences
Classification: Uncertain significance for COLEC11-related condition. Last evaluated: 2024-01-11. Review status: no assertion criteria provided. Collection method: clinical testing. Allele origin: germline. Not counted in ClinVar's aggregate classification.
Comment: The COLEC11 c.191C>T variant is predicted to result in the amino acid substitution p.Thr64Met. To our knowledge, this variant has not been reported in the literature. This variant is reported in 0.33% of alleles in individuals of African descent in gnomAD, which is higher than expected for a causative variant in this gene. Although we suspect that this variant may be benign, at this time, the clinical significance of this variant is uncertain due to the absence of conclusive functional and genetic evidence.